The following is an entry in ClinVar:

ClinVar aggregate classification (germline): Uncertain significance. Review status: criteria provided, multiple submitters, no conflicts (2 of 4 stars). 2 submissions from 2 submitters: Uncertain significance (2). Last evaluated 2024-08-29.

Conditions:
Congenital myasthenic syndrome 4A. Also called: CONGENITAL MYASTHENIC SYNDROME TYPE Ia1; Myasthenic syndrome, congenital, 4a, slow-channel; MYASTHENIC SYNDROME, CONGENITAL, 4A, SLOW-CHANNEL, AUTOSOMAL RECESSIVE. Identifiers: Orphanet 590, MedGen C4225413, MONDO:0011600, OMIM 605809.
Inborn genetic diseases. Identifiers: MedGen C0950123, MeSH D030342.

Allele frequency attached by ClinVar (database versions not stated): TOPMed below 0.00001; gnomAD 0.00001.

Submissions (2):

Ambry Genetics
Classification: Uncertain significance for Inborn genetic diseases. Last evaluated: 2024-08-29. Review status: criteria provided, single submitter. Criteria: Ambry Variant Classification Scheme 2023. Collection method: clinical testing. Allele origin: germline.

Labcorp Genetics (formerly Invitae), Labcorp
Classification: Uncertain significance for Congenital myasthenic syndrome 4A. Last evaluated: 2022-08-10. Review status: criteria provided, single submitter. Criteria: Invitae Variant Classification Sherloc (09022015). Collection method: clinical testing. Allele origin: germline.
Comment: This sequence change replaces valine, which is neutral and non-polar, with methionine, which is neutral and non-polar, at codon 430 of the CHRNE protein (p.Val430Met). This variant is not present in population databases (gnomAD no frequency). This variant has not been reported in the literature in individuals affected with CHRNE-related conditions. ClinVar contains an entry for this variant (Variation ID: 1483891). Advanced modeling of protein sequence and biophysical properties (such as structural, functional, and spatial information, amino acid conservation, physicochemical variation, residue mobility, and thermodynamic stability) performed at Invitae indicates that this missense variant is not expected to disrupt CHRNE protein function. In summary, the available evidence is currently insufficient to determine the role of this variant in disease. Therefore, it has been classified as a Variant of Uncertain Significance.

NM_000080.4(CHRNE):c.1288G>A (p.Val430Met)

Gene: CHRNE (cholinergic receptor nicotinic epsilon subunit; minus strand). Cytogenetic location: 17p13.2.
Variant type: single nucleotide variant.
Coding change: c.1288G>A on transcript NM_000080.4 (MANE Select); coding-DNA position 1288, G replaced by A.
Protein change: p.Val430Met; replaces valine 430 with methionine.
Molecular consequence: missense variant.
Genome position (GRCh38, 1-based): chr17:4,899,039, C>T on the plus strand (G>A on the coding strand, the complement: CHRNE is on the minus strand). VCF-style: chr17-4899039-C-T. GRCh37 (hg19) VCF-style: chr17-4802334-C-T.
Other names: c.1288G>A (NM_000080.3); short protein forms V430M.
Identifiers: ClinVar variation 1483891 (VCV001483891.6), dbSNP rs1348466102, ClinGen allele CA397298345.
Genomic context (GRCh38, chr17:4,899,039, plus strand): 5'-CCGCCTCTGGCTCCTGTCCCACCTCGCCGGTGGCCTCCTGATCTCTCGTGCTCTCGGCCA[C>T]GAAGTTCACGGCATCCACACAGCAGCGGACCTCGGGGGCGGCGGCGCCCAGGCTCTGGCA-3'
Protein context (NP_000071.1, residues 420-440): VRCCVDAVNF[Val430Met]AESTRDQEAT